The following is an entry in ClinVar:

ClinVar aggregate classification (germline): Uncertain significance (1 of 4 stars; one submission).

Conditions:
Thrombophilia due to activated protein C resistance (THPH2). Also called: Activated protein C resistance; Hereditary Resistance to Activated Protein C; PCCF DEFICIENCY; PROC COFACTOR DEFICIENCY; THROMBOPHILIA DUE TO DEFICIENCY OF ACTIVATED PROTEIN C COFACTOR; THROMBOPHILIA V. Identifiers: MedGen C1861171, MONDO:0008560, OMIM 188055. Disease mechanism: gain of function, loss of function.

Submission:

ISTH-SSC Genomics in Thrombosis and Hemostasis, KU Leuven, Center for Molecular and Vascular Biology
Classification: Uncertain significance for Thrombophilia due to activated protein C resistance. Review status: criteria provided, single submitter. Criteria: ACMG Guidelines, 2015. Collection method: clinical testing. Allele origin: germline. Affected: yes. Observed: 1 compound heterozygote.
Comment: Submitted to the GoldVariant database by Kathleen Freson, Center for Molecular and Vascular Biology

NM_000130.5(F5):c.6025G>T (p.Gly2009Trp)

Gene: F5 (coagulation factor V; minus strand). Cytogenetic location: 1q24.2.
Variant type: single nucleotide variant.
Coding change: c.6025G>T on transcript NM_000130.5 (MANE Select); coding-DNA position 6025, G replaced by T.
Protein change: p.Gly2009Trp; replaces glycine 2009 with tryptophan.
Molecular consequence: missense variant.
Genome position (GRCh38, 1-based): chr1:169,523,220, C>A on the plus strand (G>T on the coding strand, the complement: F5 is on the minus strand). VCF-style: chr1-169523220-C-A. GRCh37 (hg19) VCF-style: chr1-169492458-C-A.
Other names: short protein forms G2009W.
Identifiers: ClinVar variation 2572101 (VCV002572101.1), dbSNP rs2526347206, ClinGen allele CA343122743.
Genomic context (GRCh38, chr1:169,523,220, plus strand): 5'-AGAGTCTAGAGATTCAGATAGAAATATGCACACAAACCATCACATTCCTTGTGCTGTTCC[C>A]TTTGAAGATCTGCCAGTTGATCTGGTTGGAACTGTAAGCTACATAGAACTCTGTGGTATA-3'
Protein context (NP_000121.2, residues 1999-2019): SNQINWQIFK[Gly2009Trp]NSTRNVMYFN